The following is an entry in ClinVar:

NM_007294.4(BRCA1):c.2944C>G (p.Pro982Ala)

Gene: BRCA1 (BRCA1 DNA repair associated; minus strand). Cytogenetic location: 17q21.31.
Variant type: single nucleotide variant.
Coding change: c.2944C>G on transcript NM_007294.4 (MANE Select); coding-DNA position 2944, C replaced by G.
Protein change: p.Pro982Ala; replaces proline 982 with alanine.
Molecular consequence: missense variant. On other transcripts: intron variant (137).
Genome position (GRCh38, 1-based): chr17:43,092,587, G>C on the plus strand (C>G on the coding strand, the complement: BRCA1 is on the minus strand). VCF-style: chr17-43092587-G-C. GRCh37 (hg19) VCF-style: chr17-41244604-G-C.
Other names: c.2731C>G, p.Pro911Ala (NM_001407571.1, NM_001407853.1, NM_001407894.1 and 9 more transcripts); c.2944C>G, p.Pro982Ala (NM_001407581.1, NM_001407582.1, NM_001407583.1 and 30 more transcripts); c.2941C>G, p.Pro981Ala (NM_001407587.1, NM_001407590.1, NM_001407591.1 and 22 more transcripts); c.2935C>G, p.Pro979Ala (NM_001407646.1, NM_001407647.1); c.2821C>G, p.Pro941Ala (NM_001407648.1, NM_001407664.1, NM_001407665.1 and 19 more transcripts); c.2818C>G, p.Pro940Ala (NM_001407649.1, NM_001407670.1, NM_001407671.1 and 11 more transcripts); c.2866C>G, p.Pro956Ala (NM_001407653.1, NM_001407654.1, NM_001407655.1 and 4 more transcripts); c.2863C>G, p.Pro955Ala (NM_001407659.1, NM_001407660.1, NM_001407661.1 and 1 more transcripts); and 41 more; short protein forms P935A, P982A, P814A, P855A, P912A, P914A, P940A, P686A.
Identifiers: ClinVar variation 1692962 (VCV001692962.3), dbSNP rs776568544, ClinGen allele CA10596111.

ClinVar aggregate classification (germline): Conflicting classifications of pathogenicity. Review status: criteria provided, conflicting classifications (1 of 4 stars). 2 submissions from 2 submitters: Uncertain significance (1); Likely benign (1). Last evaluated 2023-03-23.

Conditions:
Hereditary cancer-predisposing syndrome. Also called: Hereditary neoplastic syndrome; Tumor predisposition; Neoplastic Syndromes, Hereditary; Hereditary Cancer Syndrome. Identifiers: Orphanet 140162, MedGen C0027672, MeSH D009386, MONDO:0015356.

Submissions (2):

University of Washington Department of Laboratory Medicine, University of Washington
Classification: Likely benign for Hereditary cancer-predisposing syndrome. Last evaluated: 2023-03-23. Review status: criteria provided, single submitter. Criteria: Dines et al. (Genet Med. 2020). Collection method: curation. Allele origin: germline.
Comment: Missense variant in a coldspot region where missense variants are very unlikely to be pathogenic (PMID:31911673).

BRCA1 coldspot (exon 11 using historical exon numbering). Reclassification based on statistical prior probability

Sema4
Classification: Uncertain significance for Hereditary cancer-predisposing syndrome. Last evaluated: 2022-01-04. Review status: criteria provided, single submitter. Criteria: Sema4 Curation Guidelines. Collection method: curation. Allele origin: germline.
Comment: The BRCA1 c.2944C>G (p.P982A) variant has not been reported in the literature to our knowledge. It was not observed in the large and broad cohorts of the Genome Aggregation Database (PMID: 32461654). This variant has not been reported in ClinVar. Functional studies have not been performed, and in silico predictions of the variant's effect on protein function are inconclusive. The evidence is insufficient to meet ACMG/AMP criteria for classifying the variant as benign or pathogenic. Thus, the clinical significance of this variant is currently uncertain.